The following is an entry in ClinVar:

NM_001376.5(DYNC1H1):c.10333G>A (p.Ala3445Thr)

Gene: DYNC1H1 (dynein cytoplasmic 1 heavy chain 1; plus strand). Cytogenetic location: 14q32.31.
Variant type: single nucleotide variant.
Coding change: c.10333G>A on transcript NM_001376.5 (MANE Select); coding-DNA position 10333, G replaced by A.
Protein change: p.Ala3445Thr; replaces alanine 3445 with threonine.
Molecular consequence: missense variant.
Genome position (GRCh38, 1-based): chr14:102,033,404, G>A. VCF-style: chr14-102033404-G-A. GRCh37 (hg19) VCF-style: chr14-102499741-G-A.
Other names: short protein forms A3445T.
Identifiers: ClinVar variation 1003121 (VCV001003121.8), dbSNP rs755126314, ClinGen allele CA7353393.

ClinVar aggregate classification (germline): Uncertain significance (1 of 4 stars; one submission).

Conditions:
Charcot-Marie-Tooth disease axonal type 2O. Also called: CHARCOT-MARIE-TOOTH NEUROPATHY, AXONAL, TYPE 2O; CHARCOT-MARIE-TOOTH DISEASE, AXONAL, AUTOSOMAL DOMINANT, TYPE 2O; Charcot-Marie-Tooth disease, axonal, type 20; Charcot-Marie-Tooth Neuropathy Type 2O. Identifiers: Orphanet 284232, MedGen C3280220, MONDO:0013644, OMIM 614228.

Allele frequency attached by ClinVar (database versions not stated): ExAC 0.00001; gnomAD exomes 0.00001.
gnomAD v4.1: 10 of 1,614,180 alleles (0.00062%); highest among the groups gnomAD compares: East Asian, 0.0045%; no homozygotes.

Submission:

Labcorp Genetics (formerly Invitae), Labcorp
Classification: Uncertain significance for Charcot-Marie-Tooth disease axonal type 2O. Last evaluated: 2023-02-01. Review status: criteria provided, single submitter. Criteria: Invitae Variant Classification Sherloc (09022015). Collection method: clinical testing. Allele origin: germline.
Comment: In summary, the available evidence is currently insufficient to determine the role of this variant in disease. Therefore, it has been classified as a Variant of Uncertain Significance. This sequence change replaces alanine, which is neutral and non-polar, with threonine, which is neutral and polar, at codon 3445 of the DYNC1H1 protein (p.Ala3445Thr). This variant is present in population databases (rs755126314, gnomAD 0.003%). This variant has not been reported in the literature in individuals affected with DYNC1H1-related conditions. ClinVar contains an entry for this variant (Variation ID: 1003121). Advanced modeling of protein sequence and biophysical properties (such as structural, functional, and spatial information, amino acid conservation, physicochemical variation, residue mobility, and thermodynamic stability) performed at Invitae indicates that this missense variant is expected to disrupt DYNC1H1 protein function.